The following is an entry in ClinVar:

ClinVar aggregate classification (germline): Likely pathogenic (1 of 4 stars; one submission).

Conditions:
Autosomal recessive polycystic kidney disease (ARPKD). Also called: AR polycystic kidney disease. Identifiers: Orphanet 731, Orphanet 8378, MedGen C0085548, MeSH D017044, MONDO:0009889.

Submission:

Natera, Inc.
Classification: Likely pathogenic for Autosomal recessive polycystic kidney disease. Last evaluated: 2024-08-12. Review status: criteria provided, single submitter. Criteria: Natera Variant Classification Schema (03/2026). Collection method: clinical testing. Allele origin: germline.
Comment: The c.1393del variant in PKHD1 is a frameshift variant predicted to shift the reading frame beginning at codon 465 and leads to a stop codon 3 codons downstream. This variant is expected to result in nonsense mediated decay, truncation, or a dysfunctional protein product. This variant is rare in the general population with a frequency below the threshold expected for the associated phenotype(s). Given the available evidence, this variant is classified as Likely Pathogenic.

NM_138694.4(PKHD1):c.1393del (p.Arg465fs)

Gene: PKHD1 (PKHD1 ciliary IPT domain containing fibrocystin/polyductin; minus strand). Cytogenetic location: 6p12.2.
Variant type: Deletion.
Coding change: c.1393del on transcript NM_138694.4 (MANE Select); coding-DNA position 1393, one base deleted (A; older notation c.1393delA).
Protein change: p.Arg465fs; shifts the reading frame from arginine 465.
Molecular consequence: frameshift variant.
Genome position (GRCh38, 1-based): chr6:52,058,442, T deleted on the plus strand (A on the coding strand, the reverse complement: PKHD1 is on the minus strand). VCF-style (leftmost placement, unchanged base first): chr6-52058441-CT-C. GRCh37 (hg19) VCF-style: chr6-51923239-CT-C.
Other names: c.1393del, p.Arg465fs (NM_170724.3); short protein forms R465fs.
Identifiers: ClinVar variation 4816578 (VCV004816578.1).